The following is an entry in ClinVar:

NM_000395.3(CSF2RB):c.1345G>A (p.Val449Met)

Gene: CSF2RB (colony stimulating factor 2 receptor subunit beta; plus strand). Cytogenetic location: 22q12.3.
Variant type: single nucleotide variant.
Coding change: c.1345G>A on transcript NM_000395.3 (MANE Select); coding-DNA position 1345, G replaced by A.
Protein change: p.Val449Met; replaces valine 449 with methionine.
Molecular consequence: missense variant.
Genome position (GRCh38, 1-based): chr22:36,935,380, G>A. VCF-style: chr22-36935380-G-A. GRCh37 (hg19) VCF-style: chr22-37331422-G-A.
Other names: c.1363G>A, p.Val455Met (NM_001410827.1); short protein forms V449M, V455M.
Identifiers: ClinVar variation 2167914 (VCV002167914.4), dbSNP rs150774863, ClinGen allele CA10213805.
Genomic context (GRCh38, chr22:36,935,380, plus strand): 5'-GACATTCCTCTTTCTCCCCGGCTGCTGGAAGTGCTGCCTATGTGGGTGCTGGCCCTCATC[G>A]TGATCTTCCTCACCATCGCTGTGCTCCTGGCCCTCCGCTTCTGTGGCATCTACGGGTACA-3'
Protein context (NP_000386.1, residues 439-459): VLPMWVLALI[Val449Met]IFLTIAVLLA

ClinVar aggregate classification (germline): Uncertain significance (1 of 4 stars; one submission).

Allele frequency attached by ClinVar (database versions not stated): ExAC 0.00002; gnomAD 0.00003; TOPMed 0.00003; ESP Exome Variant Server 0.00008.
gnomAD v4.1: 23 of 1,614,036 alleles (0.0014%); highest among the groups gnomAD compares: Admixed American, 0.012%; no homozygotes.

Submission:

Labcorp Genetics (formerly Invitae), Labcorp
Classification: Uncertain significance. Last evaluated: 2022-04-30. Review status: criteria provided, single submitter. Criteria: Invitae Variant Classification Sherloc (09022015). Collection method: clinical testing. Allele origin: germline.
Comment: In summary, the available evidence is currently insufficient to determine the role of this variant in disease. Therefore, it has been classified as a Variant of Uncertain Significance. Algorithms developed to predict the effect of missense changes on protein structure and function (SIFT, PolyPhen-2, Align-GVGD) all suggest that this variant is likely to be tolerated. This variant has not been reported in the literature in individuals affected with CSF2RB-related conditions. This variant is present in population databases (rs150774863, gnomAD 0.007%). This sequence change replaces valine, which is neutral and non-polar, with methionine, which is neutral and non-polar, at codon 449 of the CSF2RB protein (p.Val449Met).